The following is an entry in ClinVar:

NM_025074.7(FRAS1):c.6010+9C>T

Gene: FRAS1 (Fraser extracellular matrix complex subunit 1; plus strand). Cytogenetic location: 4q21.21.
Variant type: single nucleotide variant.
Coding change: c.6010+9C>T on transcript NM_025074.7 (MANE Select); 9 bases into the intron after coding-DNA position 6010, C replaced by T.
Molecular consequence: intron variant.
Genome position (GRCh38, 1-based): chr4:78,446,889, C>T. VCF-style: chr4-78446889-C-T. GRCh37 (hg19) VCF-style: chr4-79368043-C-T.
Identifiers: ClinVar variation 744180 (VCV000744180.8), dbSNP rs376252971, ClinGen allele CA2977678.

ClinVar aggregate classification (germline): Likely benign. Review status: criteria provided, single submitter (1 of 4 stars). 2 submissions from 2 submitters: Likely benign (1). 1 of the submissions does not count toward it. Last evaluated 2024-05-26.

Conditions:
FRAS1-related disorder. Also called: FRAS1-related condition.

Allele frequency attached by ClinVar (database versions not stated): gnomAD exomes 0.00004 and 0.00001; ExAC 0.00007; gnomAD 0.00009 and 0.00010; ESP Exome Variant Server 0.00025; TOPMed 0.00011.
gnomAD v4.1: 32 of 1,598,704 alleles (0.002%); highest among the groups gnomAD compares: African/African-American, 0.024%; no homozygotes.

Submissions (2):

Labcorp Genetics (formerly Invitae), Labcorp
Classification: Likely benign. Last evaluated: 2024-05-26. Review status: criteria provided, single submitter. Criteria: Invitae Variant Classification Sherloc (09022015). Collection method: clinical testing. Allele origin: germline.

PreventionGenetics, part of Exact Sciences
Classification: Likely benign for FRAS1-related condition. Last evaluated: 2023-04-13. Review status: no assertion criteria provided. Collection method: clinical testing. Allele origin: germline. Not counted in ClinVar's aggregate classification.
Comment: This variant is classified as likely benign based on ACMG/AMP sequence variant interpretation guidelines (Richards et al. 2015 PMID: 25741868, with internal and published modifications).